The following is an entry in ClinVar:

ClinVar aggregate classification (germline): Uncertain significance (1 of 4 stars; one submission).

Conditions:
Hereditary cancer-predisposing syndrome. Also called: Neoplastic Syndromes, Hereditary; Tumor predisposition; Hereditary neoplastic syndrome; Hereditary Cancer Syndrome. Identifiers: Orphanet 140162, MedGen C0027672, MeSH D009386, MONDO:0015356.

Submission:

Ambry Genetics
Classification: Uncertain significance for Hereditary cancer-predisposing syndrome. Last evaluated: 2026-08-19. Review status: criteria provided, single submitter. Criteria: Ambry Variant Classification Scheme 2023. Collection method: clinical testing. Allele origin: germline.
Comment: The c.1209_1217delTCCGTACCT variant (also known as p.P404_L406del) is located in coding exon 9 of the POLD1 gene. This variant results from an in-frame TCCGTACCT deletion at nucleotide positions 1209 to 1217. This results in the in-frame deletion of 3 residues (PYL) at codons 404 to 406. These amino acid positions are highly conserved in available vertebrate species. In addition, this variant is predicted to be deleterious by in silico analysis (Choi Y et al. PLoS ONE. 2012; 7(10):e46688). Based on the available evidence, the clinical significance of this variant remains unclear.

NM_002691.4(POLD1):c.1209_1217del (p.Pro404_Leu406del)

Gene: POLD1 (DNA polymerase delta 1, catalytic subunit; plus strand). Cytogenetic location: 19q13.33.
Variant type: Deletion.
Coding change: c.1209_1217del on transcript NM_002691.4 (MANE Select); coding-DNA positions 1209 to 1217, 9 bases deleted (TCCGTACCT; older notation c.1209_1217delTCCGTACCT).
Protein change: p.Pro404_Leu406del.
Molecular consequence: non-coding transcript variant (on NR_046402.2).
Genome position (GRCh38, 1-based): chr19:50,403,564-50,403,572, TCCGTACCT deleted; deleting any 9 consecutive bases within chr19:50,403,560-50,403,572 gives the same sequence; the c. name uses the placement nearest the transcript's 3' end. VCF-style (leftmost placement, unchanged base first): chr19-50403559-GACCTTCCGT-G. GRCh37 (hg19) VCF-style: chr19-50906816-GACCTTCCGT-G.
Other names: c.1209_1217del, p.Pro404_Leu406del (NM_001256849.1, NM_001308632.1, NM_001438210.1 and 3 more transcripts).
Identifiers: ClinVar variation 5026987 (VCV005026987.1).
Genomic context (GRCh38, chr19:50,403,559, plus strand): 5'-TCCACCTTCATCCGTATCATGGACCCCGACGTGATCACCGGTTACAACATCCAGAACTTC[GACCTTCCGT>G]ACCTCATCTCTCGGGCCCAGACCCTCAAGGTGAGGGCTGGGCAGGTGGGAGGCTTCTCTC-3'